The following is an entry in ClinVar:

ClinVar aggregate classification (germline): Uncertain significance (1 of 4 stars; one submission).

Conditions:
Amyotrophic lateral sclerosis type 1 (ALS1). Also called: AMYOTROPHIC LATERAL SCLEROSIS 1, FAMILIAL. Identifiers: Orphanet 803, MedGen C1862939, MONDO:0007103, OMIM 105400.
Neuronopathy, distal hereditary motor, type 7B. Also called: NEURONOPATHY, DISTAL HEREDITARY MOTOR, AUTOSOMAL DOMINANT 14; NEURONOPATHY, DISTAL HEREDITARY MOTOR, HARDING TYPE VIIB; NEUROPATHY, DISTAL HEREDITARY MOTOR, HARDING TYPE VIIB; NEUROPATHY, DISTAL HEREDITARY MOTOR, WITH VOCAL CORD PARALYSIS, HARDING TYPE VIIB; HMN VIIB; LOWER MOTOR NEURON DISEASE, DYNACTIN TYPE. Identifiers: Orphanet 139589, MedGen C1843315, MONDO:0011879, OMIM 607641.
Perry syndrome. Also called: PARKINSONISM WITH ALVEOLAR HYPOVENTILATION AND MENTAL DEPRESSION. Identifiers: Orphanet 178509, MedGen C1868594, MONDO:0008201, OMIM 168605.

Submission:

Labcorp Genetics (formerly Invitae), Labcorp
Classification: Uncertain significance for Amyotrophic lateral sclerosis type 1; Neuronopathy, distal hereditary motor, type 7B; Perry syndrome. Last evaluated: 2025-10-28. Review status: criteria provided, single submitter. Criteria: Invitae Variant Classification Sherloc (09022015). Collection method: clinical testing. Allele origin: germline.
Comment: This sequence change replaces proline, which is neutral and non-polar, with serine, which is neutral and polar, at codon 1139 of the DCTN1 protein (p.Pro1139Ser). This variant is not present in population databases (gnomAD no frequency). This variant has not been reported in the literature in individuals affected with DCTN1-related conditions. Invitae Evidence Modeling of protein sequence and biophysical properties (such as structural, functional, and spatial information, amino acid conservation, physicochemical variation, residue mobility, and thermodynamic stability) indicates that this missense variant is not expected to disrupt DCTN1 protein function with a negative predictive value of 95%. In summary, the available evidence is currently insufficient to determine the role of this variant in disease. Therefore, it has been classified as a Variant of Uncertain Significance.

NM_004082.5(DCTN1):c.3415C>T (p.Pro1139Ser)

Gene: DCTN1 (dynactin subunit 1; minus strand). Cytogenetic location: 2p13.1.
Variant type: single nucleotide variant.
Coding change: c.3415C>T on transcript NM_004082.5 (MANE Select); coding-DNA position 3415, C replaced by T.
Protein change: p.Pro1139Ser; replaces proline 1139 with serine.
Molecular consequence: missense variant. On other transcripts: non-coding transcript variant (1).
Genome position (GRCh38, 1-based): chr2:74,363,108, G>A on the plus strand (C>T on the coding strand, the complement: DCTN1 is on the minus strand). VCF-style: chr2-74363108-G-A. GRCh37 (hg19) VCF-style: chr2-74590235-G-A.
Other names: c.3340C>T, p.Pro1114Ser (NM_001135040.3); c.2998C>T, p.Pro1000Ser (NM_001135041.3); c.3289C>T, p.Pro1097Ser (NM_001190836.2); c.3394C>T, p.Pro1132Ser (NM_001190837.2); c.3364C>T, p.Pro1122Ser (NM_001378991.1); c.3346C>T, p.Pro1116Ser (NM_001378992.1); c.3013C>T, p.Pro1005Ser (NM_023019.4); short protein forms P1097S, P1116S, P1005S, P1132S, P1000S, P1114S, P1122S, P1139S.
Identifiers: ClinVar variation 4794969 (VCV004794969.1).